The following is an entry in ClinVar:

ClinVar aggregate classification (germline): Uncertain significance (1 of 4 stars; one submission).

Conditions:
Congenital myasthenic syndrome 8. Also called: MYASTHENIC SYNDROME, CONGENITAL, DUE TO AGRIN DEFICIENCY; Myasthenic syndrome, congenital, 8, with pre- and postsynaptic defects. Identifiers: Orphanet 590, MedGen C3808739, MONDO:0014052, OMIM 615120.

Submission:

Labcorp Genetics (formerly Invitae), Labcorp
Classification: Uncertain significance for Congenital myasthenic syndrome 8. Last evaluated: 2023-12-11. Review status: criteria provided, single submitter. Criteria: Invitae Variant Classification Sherloc (09022015). Collection method: clinical testing. Allele origin: germline.
Comment: This sequence change replaces cysteine, which is neutral and slightly polar, with tryptophan, which is neutral and slightly polar, at codon 473 of the AGRN protein (p.Cys473Trp). This variant is not present in population databases (gnomAD no frequency). This variant has not been reported in the literature in individuals affected with AGRN-related conditions. An algorithm developed to predict the effect of missense changes on protein structure and function (PolyPhen-2) suggests that this variant is likely to be disruptive. In summary, the available evidence is currently insufficient to determine the role of this variant in disease. Therefore, it has been classified as a Variant of Uncertain Significance.

NM_198576.4(AGRN):c.1419T>G (p.Cys473Trp)

Gene: AGRN (agrin; plus strand). Cytogenetic location: 1p36.33.
Variant type: single nucleotide variant.
Coding change: c.1419T>G on transcript NM_198576.4 (MANE Select); coding-DNA position 1419, T replaced by G.
Protein change: p.Cys473Trp; replaces cysteine 473 with tryptophan.
Molecular consequence: missense variant.
Genome position (GRCh38, 1-based): chr1:1,043,273, T>G. VCF-style: chr1-1043273-T-G. GRCh37 (hg19) VCF-style: chr1-978653-T-G.
Other names: c.1419T>G, p.Cys473Trp (NM_001305275.2); c.1104T>G, p.Cys368Trp (NM_001364727.2); short protein forms C368W, C473W.
Identifiers: ClinVar variation 2804878 (VCV002804878.3), dbSNP rs1644995636, ClinGen allele CA337830377.